The following is an entry in ClinVar:

ClinVar aggregate classification (germline): Uncertain significance (1 of 4 stars; one submission).

Allele frequency attached by ClinVar (database versions not stated): gnomAD 0.00001; TOPMed 0.00001.
gnomAD v4.1: 3 of 1,613,996 alleles (0.00019%); highest among the groups gnomAD compares: Non-Finnish European, 0.00025%; no homozygotes.

Submission:

Labcorp Genetics (formerly Invitae), Labcorp
Classification: Uncertain significance. Last evaluated: 2025-05-27. Review status: criteria provided, single submitter. Criteria: Invitae Variant Classification Sherloc (09022015). Collection method: clinical testing. Allele origin: germline.
Comment: This sequence change replaces valine, which is neutral and non-polar, with leucine, which is neutral and non-polar, at codon 34 of the NDUFS1 protein (p.Val34Leu). This variant is not present in population databases (gnomAD no frequency). This variant has not been reported in the literature in individuals affected with NDUFS1-related conditions. ClinVar contains an entry for this variant (Variation ID: 1355314). Invitae Evidence Modeling of protein sequence and biophysical properties (such as structural, functional, and spatial information, amino acid conservation, physicochemical variation, residue mobility, and thermodynamic stability) indicates that this missense variant is not expected to disrupt NDUFS1 protein function with a negative predictive value of 95%. In summary, the available evidence is currently insufficient to determine the role of this variant in disease. Therefore, it has been classified as a Variant of Uncertain Significance.

NM_005006.7(NDUFS1):c.100G>C (p.Val34Leu)

Gene: NDUFS1 (NADH:ubiquinone oxidoreductase core subunit S1; minus strand). Cytogenetic location: 2q33.3.
Variant type: single nucleotide variant.
Coding change: c.100G>C on transcript NM_005006.7 (MANE Select); coding-DNA position 100, G replaced by C.
Protein change: p.Val34Leu; replaces valine 34 with leucine.
Molecular consequence: missense variant. On other transcripts: intron variant (2).
Genome position (GRCh38, 1-based): chr2:206,152,472, C>G on the plus strand (G>C on the coding strand, the complement: NDUFS1 is on the minus strand). VCF-style: chr2-206152472-C-G. GRCh37 (hg19) VCF-style: chr2-207017196-C-G.
Other names: c.100G>C, p.Val34Leu (NM_001199981.2); c.142G>C, p.Val48Leu (NM_001199984.2); c.5+1146G>C (NM_001199982.2); c.-19+1146G>C (NM_001199983.2); short protein forms V48L, V34L.
Identifiers: ClinVar variation 1355314 (VCV001355314.8), dbSNP rs1559065188, ClinGen allele CA350065181.